The following is an entry in ClinVar:

NM_005932.4(MIPEP):c.1240A>G (p.Ser414Gly)

Gene: MIPEP (mitochondrial intermediate peptidase; minus strand). Cytogenetic location: 13q12.12.
Variant type: single nucleotide variant.
Coding change: c.1240A>G on transcript NM_005932.4 (MANE Select); coding-DNA position 1240, A replaced by G.
Protein change: p.Ser414Gly; replaces serine 414 with glycine.
Molecular consequence: missense variant.
Genome position (GRCh38, 1-based): chr13:23,841,355, T>C on the plus strand (A>G on the coding strand, the complement: MIPEP is on the minus strand). VCF-style: chr13-23841355-T-C. GRCh37 (hg19) VCF-style: chr13-24415494-T-C.
Other names: short protein forms S414G.
Identifiers: ClinVar variation 2460677 (VCV002460677.27), dbSNP rs41315044, ClinGen allele CA6913063.

ClinVar aggregate classification (germline): Conflicting classifications of pathogenicity. Review status: criteria provided, conflicting classifications (1 of 4 stars). 3 submissions from 3 submitters: Uncertain significance (1); Likely benign (2). Last evaluated 2024-09-03.

Conditions:
Inborn genetic diseases. Identifiers: MedGen C0950123, MeSH D030342.

Allele frequency attached by ClinVar (database versions not stated): gnomAD 0.00015; ExAC 0.00017; TOPMed 0.00017; 1000 Genomes Project 0.00020; gnomAD exomes 0.00026; 1000 Genomes Project 30x 0.00031; ESP Exome Variant Server 0.00031.
gnomAD v4.1: 400 of 1,613,228 alleles (0.025%); highest among the groups gnomAD compares: Middle Eastern, 0.033%; 1 homozygote.

Submissions (3):

Blueprint Genetics
Classification: Likely benign. Last evaluated: 2024-09-03. Review status: criteria provided, single submitter. Criteria: ACMG Guidelines, 2015. Collection method: clinical testing. Allele origin: germline.

Ambry Genetics
Classification: Uncertain significance for Inborn genetic diseases. Last evaluated: 2023-03-02. Review status: criteria provided, single submitter. Criteria: Ambry Variant Classification Scheme 2023. Collection method: clinical testing. Allele origin: germline.

CeGaT Center for Human Genetics Tuebingen
Classification: Likely benign. Last evaluated: 2022-11-01. Review status: criteria provided, single submitter. Criteria: CeGaT Center For Human Genetics Tuebingen Variant Classification Criteria Version 2. Collection method: clinical testing. Allele origin: germline. Affected: yes. Observed: 1 variant allele.
Comment: MIPEP: BP4